The following is an entry in ClinVar:

ClinVar aggregate classification (germline): Uncertain significance (1 of 4 stars; one submission).

Allele frequency attached by ClinVar (database versions not stated): ExAC 0.00001; gnomAD 0.00001; gnomAD exomes 0.00001 and 0.00002; TOPMed 0.00001.
gnomAD v4.1: 26 of 1,614,124 alleles (0.0016%); highest among the groups gnomAD compares: Non-Finnish European, 0.002%; no homozygotes.

Submission:

Labcorp Genetics (formerly Invitae), Labcorp
Classification: Uncertain significance. Last evaluated: 2022-07-12. Review status: criteria provided, single submitter. Criteria: Invitae Variant Classification Sherloc (09022015). Collection method: clinical testing. Allele origin: germline.
Comment: This sequence change replaces alanine, which is neutral and non-polar, with glycine, which is neutral and non-polar, at codon 400 of the MCM2 protein (p.Ala400Gly). This variant is present in population databases (rs748293762, gnomAD 0.002%). In summary, the available evidence is currently insufficient to determine the role of this variant in disease. Therefore, it has been classified as a Variant of Uncertain Significance. Algorithms developed to predict the effect of missense changes on protein structure and function (SIFT, PolyPhen-2, Align-GVGD) all suggest that this variant is likely to be tolerated. ClinVar contains an entry for this variant (Variation ID: 1502054). This variant has not been reported in the literature in individuals affected with MCM2-related conditions.

NM_004526.4(MCM2):c.1199C>G (p.Ala400Gly)

Gene: MCM2 (minichromosome maintenance complex component 2; plus strand). Cytogenetic location: 3q21.3.
Variant type: single nucleotide variant.
Coding change: c.1199C>G on transcript NM_004526.4 (MANE Select); coding-DNA position 1199, C replaced by G.
Protein change: p.Ala400Gly; replaces alanine 400 with glycine.
Molecular consequence: missense variant. On other transcripts: non-coding transcript variant (1).
Genome position (GRCh38, 1-based): chr3:127,608,479, C>G. VCF-style: chr3-127608479-C-G. GRCh37 (hg19) VCF-style: chr3-127327322-C-G.
Other names: short protein forms A400G.
Identifiers: ClinVar variation 1502054 (VCV001502054.8), dbSNP rs748293762, ClinGen allele CA2595820.